The following is an entry in ClinVar:

NM_197968.4(ZMYM2):c.276A>G (p.Leu92=)

Gene: ZMYM2 (zinc finger MYM-type containing 2; plus strand). Cytogenetic location: 13q12.11.
Variant type: single nucleotide variant.
Coding change: c.276A>G on transcript NM_197968.4 (MANE Select); coding-DNA position 276, A replaced by G.
Protein change: p.Leu92=; no amino-acid change (leucine 92 retained).
Molecular consequence: synonymous variant. On other transcripts: non-coding transcript variant (1).
Genome position (GRCh38, 1-based): chr13:19,993,348, A>G. VCF-style: chr13-19993348-A-G. GRCh37 (hg19) VCF-style: chr13-20567488-A-G.
Other names: c.276A>G, p.Leu92= (NM_001190964.4, NM_001190965.4, NM_001353157.2 and 6 more transcripts); c.342A>G, p.Leu114= (NM_001353161.3); c.276A>G (NM_197968.3).
Identifiers: ClinVar variation 771461 (VCV000771461.5), dbSNP rs141166677, ClinGen allele CA6903172.

ClinVar aggregate classification (germline): Benign. Review status: criteria provided, single submitter (1 of 4 stars). 2 submissions from 2 submitters: Benign (1). 1 of the submissions does not count toward it. Last evaluated 2018-07-06.

Conditions:
ZMYM2-related disorder. Also called: ZMYM2-related condition.

Allele frequency attached by ClinVar (database versions not stated): ESP Exome Variant Server 0.00016; gnomAD exomes 0.00070 and 0.00322; gnomAD 0.00157 and 0.00159; 1000 Genomes Project 0.00200; 1000 Genomes Project 30x 0.00219; ExAC 0.00241; TOPMed 0.00288.
gnomAD v4.1: 1,252 of 1,613,834 alleles (0.078%); highest among the groups gnomAD compares: Admixed American, 2%; 21 homozygotes.

Submissions (2):

Labcorp Genetics (formerly Invitae), Labcorp
Classification: Benign. Last evaluated: 2018-07-06. Review status: criteria provided, single submitter. Criteria: Invitae Variant Classification Sherloc (09022015). Collection method: clinical testing. Allele origin: germline.

PreventionGenetics, part of Exact Sciences
Classification: Likely benign for ZMYM2-related condition. Last evaluated: 2024-06-04. Review status: no assertion criteria provided. Collection method: clinical testing. Allele origin: germline. Not counted in ClinVar's aggregate classification.
Comment: This variant is classified as likely benign based on ACMG/AMP sequence variant interpretation guidelines (Richards et al. 2015 PMID: 25741868, with internal and published modifications).